The following is an entry in ClinVar:

ClinVar aggregate classification (germline): Uncertain significance. Review status: criteria provided, multiple submitters, no conflicts (2 of 4 stars). 2 submissions from 2 submitters: Uncertain significance (2). Last evaluated 2024-11-07.

Submissions (2):

ARUP Laboratories, Molecular Genetics and Genomics, ARUP Laboratories
Classification: Uncertain significance. Last evaluated: 2024-11-07. Review status: criteria provided, single submitter. Criteria: ARUP Molecular Germline Variant Investigation Process 2024. Collection method: clinical testing. Allele origin: germline.
Comment: The HBA1 c.226_228delGAC; p.Asp76del variant (rs759750475), also known as Asp75del when numbered from the mature protein, is equivalent to HBA2 variant Hb Watts (HBA2: c.226_228delGAC; p.Asp76del, HbVar ID: 718). Hb Watts has been observed in the heterozygous state in an individual with no clinical symptoms and in an individual with delta (0) thalassemia in conjunction with HBD:c.92+83_84ins27 (see HbVar and references therein, Villegas 2017). This variant is considered mildly unstable and is associated with a reduction in HbA2 levels. This variant is also reported in ClinVar (Variation ID: 801163). This variant is only observed on one allele in the Genome Aggregation Database, indicating it is not a common polymorphism. This variant deletes a single aspartic acid residue leaving the rest of the protein in-frame. However, given the lack of clinical and functional data, the significance of the HBA1 c.226_228delGAC; p.Asp76del variant is uncertain at this time. References: Link to HbVar: Villegas A et al. Haemoglobinopathies that occur with decreased HbA2 levels: a gene mutation set involving the delta gene at a Spanish centre. J Clin Pathol. 2017 Jan;70(1):75-80. PMID: 27387985.

Quest Diagnostics Nichols Institute San Juan Capistrano
Classification: Uncertain significance. Last evaluated: 2023-03-24. Review status: criteria provided, single submitter. Criteria: Quest Diagnostics criteria. Collection method: clinical testing. Allele origin: unknown.
Comment: This variant is caused by the deletion of three nucleotides at position c.226_228 (c.226_228del or c.226_228delGAC) in the alpha1-globin gene. The frequency of this variant in the general population, 0.0000071 (1/140444 chromosomes), is uninformative in assessment of its pathogenicity. Hb Watts is reported with normal clinical presentation in heterozygous state and is described as being mildly unstable (PMID: 9255611 (1997)). In addition, this variant was reported in an individual with delta zero thalassemia (PMID 27387985 (2017)).

Literature cited by the submitters: PubMed 27387985 (cited by Quest Diagnostics Nichols Institute San Juan Capistrano); PubMed 9255611 (cited by Quest Diagnostics Nichols Institute San Juan Capistrano); PubMed 25579773 (cited by Quest Diagnostics Nichols Institute San Juan Capistrano); PubMed 32597250 (cited by Quest Diagnostics Nichols Institute San Juan Capistrano); PubMed 31553106 (cited by Quest Diagnostics Nichols Institute San Juan Capistrano).

NM_000558.5(HBA1):c.223GAC[1] (p.Asp76del)

Genes: HBA1 (hemoglobin subunit alpha 1; plus strand), LOC106804613 (hemoglobin subunit alpha 1 recombination region; plus strand). Cytogenetic location: 16p13.3.
Variant type: Microsatellite.
Coding change: c.223GAC[1] on transcript NM_000558.5 (MANE Select); one copy of the 3-base unit GAC starting at c.223; the reference has two copies in a row; one copy, 3 bases deleted.
Protein change: p.Asp76del; deletes aspartic acid 76.
Molecular consequence: inframe deletion.
Genome position (GRCh38, 1-based): chr16:177,059-177,061, GAC deleted; deleting any 3 consecutive bases within chr16:177,056-177,061 gives the same sequence; the position shown is the placement nearest the transcript's 3' end. VCF-style (leftmost placement, unchanged base first): chr16-177055-GGAC-G. GRCh37 (hg19) VCF-style: chr16-227054-GGAC-G.
Other names: short protein forms D76del.
Identifiers: ClinVar variation 801163 (VCV000801163.13), dbSNP rs759750475, ClinGen allele CA7770247.